The following is an entry in ClinVar:

ClinVar aggregate classification (germline): Pathogenic. Review status: criteria provided, multiple submitters, no conflicts (2 of 4 stars). 2 submissions from 2 submitters: Pathogenic (2). Last evaluated 2025-04-18.

Conditions:
Neurofibromatosis, type 1 (NF1). Also called: Peripheral type neurofibromatosis; VON RECKLINGHAUSEN DISEASE; NEUROFIBROMATOSIS, TYPE I, SOMATIC; Neurofibromatosis, type I. Identifiers: Orphanet 636, MedGen C0027831, MONDO:0018975, OMIM 162200. Disease mechanism: loss of function.

Submissions (2):

GeneDx
Classification: Pathogenic. Last evaluated: 2025-04-18. Review status: criteria provided, single submitter. Criteria: GeneDx Variant Classification Process June 2021. Collection method: clinical testing. Allele origin: germline. Affected: yes.
Comment: Frameshift variant predicted to result in protein truncation or nonsense mediated decay in a gene for which loss-of-function is a known mechanism of disease; Not observed at significant frequency in large population cohorts (gnomAD); Has not been previously published as pathogenic or benign to our knowledge

Labcorp Genetics (formerly Invitae), Labcorp
Classification: Pathogenic for Neurofibromatosis, type 1. Last evaluated: 2024-08-22. Review status: criteria provided, single submitter. Criteria: Invitae Variant Classification Sherloc (09022015). Collection method: clinical testing. Allele origin: germline.
Comment: This sequence change creates a premature translational stop signal (p.Ala1589Hisfs*14) in the NF1 gene. It is expected to result in an absent or disrupted protein product. Loss-of-function variants in NF1 are known to be pathogenic (PMID: 10712197, 23913538). This variant is not present in population databases (gnomAD no frequency). This variant has not been reported in the literature in individuals affected with NF1-related conditions. For these reasons, this variant has been classified as Pathogenic.

Literature cited by the submitters: PubMed 10712197 (cited by Labcorp Genetics (formerly Invitae), Labcorp); PubMed 23913538 (cited by Labcorp Genetics (formerly Invitae), Labcorp).

NM_001042492.3(NF1):c.4827del (p.Ala1610fs)

Gene: NF1 (neurofibromin 1; plus strand). Cytogenetic location: 17q11.2.
Variant type: Deletion.
Coding change: c.4827del on transcript NM_001042492.3 (MANE Select); coding-DNA position 4827, one base deleted (T; older notation c.4827delT).
Protein change: p.Ala1610fs; shifts the reading frame from alanine 1610.
Molecular consequence: frameshift variant.
Genome position (GRCh38, 1-based): chr17:31,265,331, T deleted; the last of 2 consecutive T bases (chr17:31,265,330-31,265,331); deleting either gives the same sequence. VCF-style (leftmost placement, unchanged base first): chr17-31265329-GT-G. GRCh37 (hg19) VCF-style: chr17-29592347-GT-G.
Other names: c.4764delT, p.Ala1589Hisfs (NM_000267.4); short protein forms A1589fs, A1610fs.
Identifiers: ClinVar variation 3663252 (VCV003663252.3).